The following is an entry in ClinVar:

ClinVar aggregate classification (germline): Conflicting classifications of pathogenicity. Review status: criteria provided, conflicting classifications (1 of 4 stars). 6 submissions from 6 submitters: Pathogenic (3); Likely pathogenic (2); Uncertain significance (1). Last evaluated 2026-03-09.

Conditions:
Mitochondrial complex I deficiency, nuclear type 29. Also called: Mitochondrial complex 1 deficiency, nuclear type 29. Identifiers: MedGen C4748830, MONDO:0032633, OMIM 618250.
Mitochondrial complex I deficiency, nuclear type 1. Also called: MITOCHONDRIAL NADH DEHYDROGENASE COMPONENT OF COMPLEX I, DEFICIENCY OF; NADH-COENZYME Q REDUCTASE DEFICIENCY. Identifiers: MedGen C6022305, MONDO:0100224, OMIM 252010.

Submissions (6):

GeneDx
Classification: Uncertain significance. Last evaluated: 2026-03-09. Review status: criteria provided, single submitter. Criteria: GeneDx Variant Classification Process June 2021. Collection method: clinical testing. Allele origin: germline.
Comment: Frameshift variant predicted to result in protein truncation or nonsense mediated decay in a gene for which loss of function is a known mechanism of disease; Has not been previously published as pathogenic or benign to our knowledge

Labcorp Genetics (formerly Invitae), Labcorp
Classification: Pathogenic. Last evaluated: 2024-02-05. Review status: criteria provided, single submitter. Criteria: Invitae Variant Classification Sherloc (09022015). Collection method: clinical testing. Allele origin: germline.
Comment: This sequence change creates a premature translational stop signal (p.Tyr107Cysfs*15) in the TMEM126B gene. It is expected to result in an absent or disrupted protein product. Loss-of-function variants in TMEM126B are known to be pathogenic (PMID: 27374774). This variant is present in population databases (rs752316853, gnomAD 0.07%). This variant has not been reported in the literature in individuals affected with TMEM126B-related conditions. ClinVar contains an entry for this variant (Variation ID: 1032805). For these reasons, this variant has been classified as Pathogenic.

Daryl Scott Lab, Baylor College of Medicine
Classification: Pathogenic for Mitochondrial complex I deficiency, nuclear type 29. Last evaluated: 2024-01-01. Review status: criteria provided, single submitter. Criteria: ACMG Guidelines, 2015. Collection method: clinical testing. Allele origin: maternal. Observed: 1 heterozygote.
Comment: PVS1, PM2

Revvity Omics, Revvity
Classification: Likely pathogenic for Mitochondrial complex I deficiency, nuclear type 29. Last evaluated: 2019-12-21. Review status: criteria provided, single submitter. Criteria: ACMG Guidelines, 2015. Collection method: clinical testing. Allele origin: germline.

Baylor Genetics
Classification: Pathogenic for Mitochondrial complex I deficiency, nuclear type 1. Last evaluated: 2018-02-26. Review status: criteria provided, single submitter. Criteria: ACMG Guidelines, 2015. Collection method: clinical testing. Allele origin: paternal. Affected: yes.
Comment: This variant was determined to be pathogenic according to ACMG Guidelines, 2015 [PMID:25741868].

Juno Genomics, Hangzhou Juno Genomics, Inc
Classification: Likely pathogenic for Mitochondrial complex I deficiency, nuclear type 29. Review status: criteria provided, single submitter. Criteria: ACMG Guidelines, 2015. Collection method: clinical testing. Allele origin: germline. Affected: yes.
Comment: Absent from controls (or at extremely low frequency if recessive) in Genome Aggregation Database, Exome Sequencing Project, 1000 Genomes Project, or Exome Aggregation Consortium.;Null variant in a gene where loss of function (LOF) is a known mechanism of disease.

Literature cited by the submitters: PubMed 27374774 (cited by Labcorp Genetics (formerly Invitae), Labcorp).

NM_018480.7(TMEM126B):c.320_321del (p.Tyr107fs)

Gene: TMEM126B (transmembrane protein 126B; plus strand). Cytogenetic location: 11q14.1.
Variant type: Microsatellite.
Coding change: c.320_321del on transcript NM_018480.7 (MANE Select); coding-DNA positions 320 to 321, 2 bases deleted (AT; older notation c.320_321delAT).
Protein change: p.Tyr107fs; shifts the reading frame from tyrosine 107.
Molecular consequence: frameshift variant. On other transcripts: intron variant (1).
Genome position (GRCh38, 1-based): chr11:85,634,202-85,634,203, AT deleted; deleting any 2 consecutive bases within chr11:85,634,200-85,634,203 gives the same sequence; the c. name uses the placement nearest the transcript's 3' end. VCF-style (leftmost placement, unchanged base first): chr11-85634199-CAT-C. GRCh37 (hg19) VCF-style: chr11-85345243-CAT-C.
Other names: c.320_321delAT (NM_018480.7, NM_018480.4); c.260_261del, p.Tyr87fs (NM_001193537.3, NM_001350395.2); c.230_231del, p.Tyr77fs (NM_001193538.3, NM_001256546.2, NM_001350396.2); c.182_183del, p.Tyr61fs (NM_001256547.2); c.320_321del, p.Tyr107fs (NM_001350394.2); c.172+26_172+27del (NM_001350393.1); short protein forms Y107fs, Y77fs, Y87fs, Y61fs.
Identifiers: ClinVar variation 1032805 (VCV001032805.14), dbSNP rs752316853, ClinGen allele CA6212462.